The following is an entry in ClinVar:

ClinVar aggregate classification (germline): Conflicting classifications of pathogenicity. Review status: criteria provided, conflicting classifications (1 of 4 stars). 3 submissions from 3 submitters: Uncertain significance (2); Likely benign (1). Last evaluated 2024-06-18.

Conditions:
Fraser syndrome 1 (FRASRS1). Also called: CRYPTOPHTHALMOS WITH OTHER MALFORMATIONS. Identifiers: Orphanet 2052, MedGen C4551480, MONDO:0054737, OMIM 219000.
Inborn genetic diseases. Identifiers: MedGen C0950123, MeSH D030342.

Allele frequency attached by ClinVar (database versions not stated): gnomAD exomes 0.00003; gnomAD 0.00004; TOPMed 0.00006; ExAC 0.00013.

Submissions (3):

Fulgent Genetics
Classification: Uncertain significance for Fraser syndrome 1. Last evaluated: 2024-06-18. Review status: criteria provided, single submitter. Criteria: ACMG Guidelines, 2015. Collection method: clinical testing. Allele origin: germline.

Ambry Genetics
Classification: Uncertain significance for Inborn genetic diseases. Last evaluated: 2024-01-04. Review status: criteria provided, single submitter. Criteria: Ambry Variant Classification Scheme 2023. Collection method: clinical testing. Allele origin: germline.

CeGaT Center for Human Genetics Tuebingen
Classification: Likely benign. Last evaluated: 2022-07-01. Review status: criteria provided, single submitter. Criteria: CeGaT Center For Human Genetics Tuebingen Variant Classification Criteria Version 2. Collection method: clinical testing. Allele origin: germline. Affected: yes. Observed: 1 variant allele.
Comment: FRAS1: BP4

NM_025074.7(FRAS1):c.4618A>G (p.Met1540Val)

Gene: FRAS1 (Fraser extracellular matrix complex subunit 1; plus strand). Cytogenetic location: 4q21.21.
Variant type: single nucleotide variant.
Coding change: c.4618A>G on transcript NM_025074.7 (MANE Select); coding-DNA position 4618, A replaced by G.
Protein change: p.Met1540Val; replaces methionine 1540 with valine.
Molecular consequence: missense variant.
Genome position (GRCh38, 1-based): chr4:78,421,940, A>G. VCF-style: chr4-78421940-A-G. GRCh37 (hg19) VCF-style: chr4-79343094-A-G.
Other names: c.4618A>G (NM_025074.6); c.4618A>G, p.Met1540Val (NM_001166133.2); short protein forms M1540V.
Identifiers: ClinVar variation 2654838 (VCV002654838.26), dbSNP rs745682499, ClinGen allele CA2977258.